The following is an entry in ClinVar:

ClinVar aggregate classification (germline): Pathogenic (1 of 4 stars; one submission).

Conditions:
Familial adenomatous polyposis 2. Also called: FAP type 2; COLORECTAL ADENOMATOUS POLYPOSIS, AUTOSOMAL RECESSIVE; ADENOMAS, MULTIPLE COLORECTAL, AUTOSOMAL RECESSIVE; MYH-associated polyposis; Adenomas, multiple colorectal; MUTYH-associated polyposis. Identifiers: Orphanet 220460, Orphanet 247798, MedGen C3272841, MONDO:0012041, OMIM 608456.

Submission:

Labcorp Genetics (formerly Invitae), Labcorp
Classification: Pathogenic for Familial adenomatous polyposis 2. Last evaluated: 2024-05-27. Review status: criteria provided, single submitter. Criteria: Invitae Variant Classification Sherloc (09022015). Collection method: clinical testing. Allele origin: germline.
Comment: This sequence change creates a premature translational stop signal (p.Ala399Glyfs*133) in the MUTYH gene. While this is not anticipated to result in nonsense mediated decay, it is expected to disrupt the last 151 amino acid(s) of the MUTYH protein. This variant is not present in population databases (gnomAD no frequency). This variant has not been reported in the literature in individuals affected with MUTYH-related conditions. This variant disrupts a region of the MUTYH protein in which other variant(s) (p.Pro405Leu) have been determined to be pathogenic (PMID: 16140997, 16557584, 16616356, 19732775). This suggests that this is a clinically significant region of the protein, and that variants that disrupt it are likely to be disease-causing. For these reasons, this variant has been classified as Pathogenic.

Literature cited by the submitters: PubMed 16140997; PubMed 16557584; PubMed 16616356; PubMed 19732775.

NM_001048174.2(MUTYH):c.1111dup (p.Ala371fs)

Gene: MUTYH (mutY DNA glycosylase; minus strand). Cytogenetic location: 1p34.1.
Variant type: Duplication.
Coding change: c.1111dup on transcript NM_001048174.2 (MANE Select); coding-DNA position 1111, one base duplicated (G; older notation c.1111dupG).
Protein change: p.Ala371fs; shifts the reading frame from alanine 371.
Molecular consequence: frameshift variant. On other transcripts: non-coding transcript variant (7).
Genome position (GRCh38, 1-based): chr1:45,331,548, C duplicated on the plus strand (G on the coding strand, the reverse complement: MUTYH is on the minus strand); the first of 2 consecutive C bases (chr1:45,331,548-45,331,549); duplicating either gives the same sequence. VCF-style (leftmost placement, unchanged base first): chr1-45331547-G-GC. GRCh37 (hg19) VCF-style: chr1-45797219-G-GC.
Other names: c.1072dup, p.Ala358fs (NM_001407079.1); c.1069dup, p.Ala357fs (NM_001407080.1); c.1111dup, p.Ala371fs (NM_001407081.1, NM_001407088.1, NM_001407089.1 and 6 more transcripts); c.766dup, p.Ala256fs (NM_001407082.1, NM_001350650.2, NM_001350651.2); c.1153dup, p.Ala385fs (NM_001407083.1, NM_001407085.1); c.1114dup, p.Ala372fs (NM_001407086.1, NM_001407078.1, NM_001048172.2 and 1 more transcripts); c.1132dup, p.Ala378fs (NM_001407087.1); c.835dup, p.Ala279fs (NM_001407091.1, NM_001293192.2, NM_001293196.2); and 5 more; short protein forms A279fs, A382fs, A256fs, A343fs, A371fs, A378fs, A357fs, A358fs.
Identifiers: ClinVar variation 3654747 (VCV003654747.2).